The following is an entry in ClinVar:

NM_020843.4(SCAPER):c.2593C>G (p.Arg865Gly)

Gene: SCAPER (S-phase cyclin A associated protein in the ER; minus strand). Cytogenetic location: 15q24.3.
Variant type: single nucleotide variant.
Coding change: c.2593C>G on transcript NM_020843.4 (MANE Select); coding-DNA position 2593, C replaced by G.
Protein change: p.Arg865Gly; replaces arginine 865 with glycine.
Molecular consequence: missense variant. On other transcripts: non-coding transcript variant (1).
Genome position (GRCh38, 1-based): chr15:76,665,705, G>C on the plus strand (C>G on the coding strand, the complement: SCAPER is on the minus strand). VCF-style: chr15-76665705-G-C. GRCh37 (hg19) VCF-style: chr15-76958046-G-C.
Other names: c.1855C>G, p.Arg619Gly (NM_001145923.2); c.2611C>G, p.Arg871Gly (NM_001353009.2); c.2191C>G, p.Arg731Gly (NM_001353010.2, NM_001353012.2); c.2209C>G, p.Arg737Gly (NM_001353011.2); short protein forms R619G, R731G, R737G, R865G, R871G.
Identifiers: ClinVar variation 3357305 (VCV003357305.1).

ClinVar aggregate classification (germline): Uncertain significance (0 of 4 stars; one submission).

Conditions:
SCAPER-related disorder. Also called: SCAPER-related condition.

gnomAD v4.1: 5 of 1,569,486 alleles (0.00032%); highest among the groups gnomAD compares: Non-Finnish European, 0.00035%; no homozygotes.

Submission:

PreventionGenetics, part of Exact Sciences
Classification: Uncertain significance for SCAPER-related condition. Last evaluated: 2024-08-30. Review status: no assertion criteria provided. Collection method: clinical testing. Allele origin: germline.
Comment: The SCAPER c.2611C>G variant is predicted to result in the amino acid substitution p.Arg871Gly. To our knowledge, this variant has not been reported in the literature. This variant is reported in 0.0037% of alleles in individuals of European (Non-Finnish) descent in gnomAD. At this time, the clinical significance of this variant is uncertain due to the absence of conclusive functional and genetic evidence.